The following is an entry in ClinVar:

ClinVar aggregate classification (germline): Likely benign. Review status: criteria provided, single submitter (1 of 4 stars). 2 submissions from 2 submitters: Likely benign (1). 1 of the submissions does not count toward it. Last evaluated 2025-12-21.

Conditions:
VCAN-related disorder. Also called: VCAN-related condition.

Allele frequency attached by ClinVar (database versions not stated): gnomAD 0.00001; 1000 Genomes Project 30x 0.00031; gnomAD exomes 0.00001; 1000 Genomes Project 0.00040; ExAC 0.00002.
gnomAD v4.1: 17 of 1,613,700 alleles (0.0011%); highest among the groups gnomAD compares: South Asian, 0.0088%; no homozygotes.

Submissions (2):

Labcorp Genetics (formerly Invitae), Labcorp
Classification: Likely benign. Last evaluated: 2025-12-21. Review status: criteria provided, single submitter. Criteria: Invitae Variant Classification Sherloc (09022015). Collection method: clinical testing. Allele origin: germline.

PreventionGenetics, part of Exact Sciences
Classification: Likely benign for VCAN-related condition. Last evaluated: 2024-02-15. Review status: no assertion criteria provided. Collection method: clinical testing. Allele origin: germline. Not counted in ClinVar's aggregate classification.
Comment: This variant is classified as likely benign based on ACMG/AMP sequence variant interpretation guidelines (Richards et al. 2015 PMID: 25741868, with internal and published modifications).

NM_004385.5(VCAN):c.9864G>A (p.Thr3288=)

Gene: VCAN (versican; plus strand). Cytogenetic location: 5q14.3.
Variant type: single nucleotide variant.
Coding change: c.9864G>A on transcript NM_004385.5 (MANE Select); coding-DNA position 9864, G replaced by A.
Protein change: p.Thr3288=; no amino-acid change (threonine 3288 retained).
Molecular consequence: synonymous variant.
Genome position (GRCh38, 1-based): chr5:83,572,544, G>A. VCF-style: chr5-83572544-G-A. GRCh37 (hg19) VCF-style: chr5-82868363-G-A.
Other names: c.1641G>A, p.Thr547= (NM_001126336.3); c.6903G>A, p.Thr2301= (NM_001164097.2); c.4602G>A, p.Thr1534= (NM_001164098.2).
Identifiers: ClinVar variation 3031641 (VCV003031641.4), dbSNP rs147586593, ClinGen allele CA3334105.